The following is an entry in ClinVar:

ClinVar aggregate classification (germline): Uncertain significance (1 of 4 stars; one submission).

Conditions:
Inborn genetic diseases. Identifiers: MedGen C0950123, MeSH D030342.

Allele frequency attached by ClinVar (database versions not stated): gnomAD 0.00001; TOPMed 0.00001.

Submission:

Ambry Genetics
Classification: Uncertain significance for Inborn genetic diseases. Last evaluated: 2021-10-14. Review status: criteria provided, single submitter. Criteria: Ambry Variant Classification Scheme 2023. Collection method: clinical testing. Allele origin: germline.
Comment: The p.K269N variant (also known as c.807G>T), located in coding exon 8 of the MDH2 gene, results from a G to T substitution at nucleotide position 807. The lysine at codon 269 is replaced by asparagine, an amino acid with similar properties. This amino acid position is conserved. In addition, this alteration is predicted to be tolerated by in silico analysis. Since supporting evidence is limited at this time, the clinical significance of this alteration remains unclear.

NM_005918.4(MDH2):c.807G>T (p.Lys269Asn)

Gene: MDH2 (malate dehydrogenase 2; plus strand). Cytogenetic location: 7q11.23.
Variant type: single nucleotide variant.
Coding change: c.807G>T on transcript NM_005918.4 (MANE Select); coding-DNA position 807, G replaced by T.
Protein change: p.Lys269Asn; replaces lysine 269 with asparagine.
Molecular consequence: missense variant.
Genome position (GRCh38, 1-based): chr7:76,064,875, G>T. VCF-style: chr7-76064875-G-T. GRCh37 (hg19) VCF-style: chr7-75694193-G-T.
Other names: c.681G>T, p.Lys227Asn (NM_001282403.2); c.486G>T, p.Lys162Asn (NM_001282404.2); short protein forms K162N, K227N, K269N.
Identifiers: ClinVar variation 1761905 (VCV001761905.2), dbSNP rs1176165729, ClinGen allele CA367768393.